The following is an entry in ClinVar:

ClinVar aggregate classification (germline): Uncertain significance (1 of 4 stars; one submission).

Submission:

Labcorp Genetics (formerly Invitae), Labcorp
Classification: Uncertain significance. Last evaluated: 2020-10-21. Review status: criteria provided, single submitter. Criteria: Invitae Variant Classification Sherloc (09022015). Collection method: clinical testing. Allele origin: germline.
Comment: In summary, the available evidence is currently insufficient to determine the role of this variant in disease. Therefore, it has been classified as a Variant of Uncertain Significance. Algorithms developed to predict the effect of missense changes on protein structure and function are either unavailable or do not agree on the potential impact of this missense change (SIFT: "Tolerated"; PolyPhen-2: "Possibly Damaging"; Align-GVGD: "Class C0"). This variant has not been reported in the literature in individuals with AHR-related conditions. This variant is not present in population databases (ExAC no frequency). This sequence change replaces glutamic acid with glycine at codon 835 of the AHR protein (p.Glu835Gly). The glutamic acid residue is moderately conserved and there is a moderate physicochemical difference between glutamic acid and glycine.

NM_001621.5(AHR):c.2504A>G (p.Glu835Gly)

Gene: AHR (aryl hydrocarbon receptor; plus strand). Cytogenetic location: 7p21.1.
Variant type: single nucleotide variant.
Coding change: c.2504A>G on transcript NM_001621.5 (MANE Select); coding-DNA position 2504, A replaced by G.
Protein change: p.Glu835Gly; replaces glutamic acid 835 with glycine.
Molecular consequence: missense variant.
Genome position (GRCh38, 1-based): chr7:17,343,021, A>G. VCF-style: chr7-17343021-A-G. GRCh37 (hg19) VCF-style: chr7-17382645-A-G.
Other names: short protein forms E835G.
Identifiers: ClinVar variation 1062076 (VCV001062076.9), dbSNP rs2115372112, ClinGen allele CA366897524.